The following is an entry in ClinVar:

ClinVar aggregate classification (germline): Likely pathogenic (1 of 4 stars; one submission).

Submission:

Dasa
Classification: Likely pathogenic. Last evaluated: 2024-11-14. Review status: criteria provided, single submitter. Criteria: DASA Assertion Criteria. Collection method: clinical testing. Allele origin: germline.
Comment: NM_001366521.1(ATP2B1):c.2023dup (p.Thr675Asnfs*9) is a frameshift variant in ATP2B1 predicted to alter the reading frame and introduce a premature termination codon and is predicted to result in an absent or altered protein product. Loss of function is an established disease mechanism for ATP2B1-associated disorders. Also, this variant is absent from population databases. Based on the currently available evidence, this variant is classified as likely pathogenic.

NM_001366521.1(ATP2B1):c.2023dup (p.Thr675fs)

Gene: ATP2B1 (ATPase plasma membrane Ca2+ transporting 1; minus strand). Cytogenetic location: 12q21.33.
Variant type: Duplication.
Coding change: c.2023dup on transcript NM_001366521.1 (MANE Select); coding-DNA position 2023, one base duplicated (A; older notation c.2023dupA).
Protein change: p.Thr675fs; shifts the reading frame from threonine 675.
Molecular consequence: frameshift variant. On other transcripts: non-coding transcript variant (3).
Genome position (GRCh38, 1-based): chr12:89,616,846, T duplicated on the plus strand (A on the coding strand, the reverse complement: ATP2B1 is on the minus strand). VCF-style (leftmost placement, unchanged base first): chr12-89616845-G-GT. GRCh37 (hg19) VCF-style: chr12-90010622-G-GT.
Other names: c.2023dup, p.Thr675fs (NM_001001323.2, NM_001366520.1, NM_001366522.1 and 12 more transcripts); c.1825dup, p.Thr609fs (NM_001366530.1, NM_001413053.1); c.1462dup, p.Thr488fs (NM_001366531.1, NM_001366532.1, NM_001413058.1 and 2 more transcripts); c.1984dup, p.Thr662fs (NM_001413048.1); c.1882dup, p.Thr628fs (NM_001413051.1, NM_001413052.1, NM_001413055.1); c.1780dup, p.Thr594fs (NM_001413054.1); c.1768dup, p.Thr590fs (NM_001413056.1); c.1570dup, p.Thr524fs (NM_001413057.1); short protein forms T488fs, T524fs, T590fs, T594fs, T609fs, T628fs, T662fs, T675fs.
Identifiers: ClinVar variation 4880591 (VCV004880591.2).